The following is an entry in ClinVar:

ClinVar aggregate classification (germline): Uncertain significance (1 of 4 stars; one submission).

Allele frequency attached by ClinVar (database versions not stated): gnomAD 0.00001; TOPMed 0.00001; ExAC 0.00001.
gnomAD v4.1: 5 of 1,608,444 alleles (0.00031%); highest among the groups gnomAD compares: Non-Finnish European, 0.00042%; no homozygotes.

Submission:

GeneDx
Classification: Uncertain significance. Last evaluated: 2019-04-16. Review status: criteria provided, single submitter. Criteria: GeneDx Variant Classification Process June 2021. Collection method: clinical testing. Allele origin: germline. Affected: yes.
Comment: Has not been previously published as pathogenic or benign to our knowledge; In-silico analysis, which includes splice predictors and evolutionary conservation, is inconclusive as to whether the variant alters gene splicing. In the absence of RNA/functional studies, the actual effect of this sequence change is unknown.

NM_001267550.2(TTN):c.16100A>G (p.Asp5367Gly)

Gene: TTN (titin; minus strand). Cytogenetic location: 2q31.2.
Variant type: single nucleotide variant.
Coding change: c.16100A>G on transcript NM_001267550.2 (MANE Select); coding-DNA position 16100, A replaced by G.
Protein change: p.Asp5367Gly; replaces aspartic acid 5367 with glycine.
Molecular consequence: missense variant. On other transcripts: intron variant (3).
Genome position (GRCh38, 1-based): chr2:178,733,076, T>C on the plus strand (A>G on the coding strand, the complement: TTN is on the minus strand). VCF-style: chr2-178733076-T-C. GRCh37 (hg19) VCF-style: chr2-179597803-T-C.
Other names: c.15149A>G, p.Asp5050Gly (NM_001256850.1); c.12368A>G, p.Asp4123Gly (NM_133378.4); c.13282+5006A>G (NM_003319.4); c.13858+5006A>G (NM_133437.4); c.13657+5006A>G (NM_133432.3); short protein forms D4123G, D5050G, D5367G.
Identifiers: ClinVar variation 1303987 (VCV001303987.2), dbSNP rs751854907, ClinGen allele CA2002090.